The following is an entry in ClinVar:

ClinVar aggregate classification (germline): Uncertain significance (1 of 4 stars; one submission).

Allele frequency attached by ClinVar (database versions not stated): gnomAD exomes below 0.00001 and 0.00001; ExAC 0.00001.
gnomAD v4.1: 5 of 1,613,980 alleles (0.00031%); highest among the groups gnomAD compares: Non-Finnish European, 0.000085%; no homozygotes.

Submission:

GeneDx
Classification: Uncertain significance. Last evaluated: 2020-03-10. Review status: criteria provided, single submitter. Criteria: GeneDx Variant Classification Process June 2021. Collection method: clinical testing. Allele origin: germline. Affected: yes.
Comment: In silico analysis supports that this missense variant has a deleterious effect on protein structure/function; Has not been previously published as pathogenic or benign to our knowledge

NM_001368882.1(COL13A1):c.641G>A (p.Gly214Glu)

Gene: COL13A1 (collagen type XIII alpha 1 chain; plus strand). Cytogenetic location: 10q22.1.
Variant type: single nucleotide variant.
Coding change: c.641G>A on transcript NM_001368882.1 (MANE Select); coding-DNA position 641, G replaced by A.
Protein change: p.Gly214Glu; replaces glycine 214 with glutamic acid.
Molecular consequence: missense variant.
Genome position (GRCh38, 1-based): chr10:69,894,685, G>A. VCF-style: chr10-69894685-G-A. GRCh37 (hg19) VCF-style: chr10-71654441-G-A.
Other names: c.614G>A, p.Gly205Glu (NM_001130103.2, NM_080800.4, NM_080801.4 and 1 more transcripts); c.641G>A, p.Gly214Glu (NM_001320951.2, NM_001368884.1); c.605G>A, p.Gly202Glu (NM_001368883.1, NM_001368885.1); c.41G>A, p.Gly14Glu (NM_001368886.1); c.551G>A, p.Gly184Glu (NM_001368895.1); c.500G>A, p.Gly167Glu (NM_001368896.1, NM_001368898.1, NM_080798.4); c.527G>A, p.Gly176Glu (NM_001368897.1, NM_080805.4); short protein forms G184E, G202E, G205E, G214E, G14E, G167E, G176E.
Identifiers: ClinVar variation 1304667 (VCV001304667.2), dbSNP rs755923400, ClinGen allele CA5534337.
Genomic context (GRCh38, chr10:69,894,685, plus strand): 5'-CTGTGACCTTAGCTTTGGTTTCTAACTCTCTCATCTCCGTCTCTTTGTAGGGACCCCAGG[G>A]ACAAAAAGGAGAAAAGGTAAGAGCAGTGGAGGTTTCCTAGAGTCTCCATCTCAGGAAATG-3'
Protein context (NP_001355811.1, residues 204-224): TGPPGQPGPQ[Gly214Glu]QKGEKGQCGE